The following is an entry in ClinVar:

NM_182641.4(BPTF):c.1864+666C>T

Gene: BPTF (bromodomain PHD finger transcription factor; plus strand). Cytogenetic location: 17q24.2.
Variant type: single nucleotide variant.
Coding change: c.1864+666C>T on transcript NM_182641.4 (MANE Select); 666 bases into the intron after coding-DNA position 1864, C replaced by T.
Molecular consequence: intron variant. On other transcripts: synonymous variant (1).
Genome position (GRCh38, 1-based): chr17:67,875,686, C>T. VCF-style: chr17-67875686-C-T. GRCh37 (hg19) VCF-style: chr17-65871802-C-T.
Other names: c.1995C>T, p.Pro665= (NM_004459.7).
Identifiers: ClinVar variation 2755217 (VCV002755217.17), dbSNP rs756807027, ClinGen allele CA8725267.

ClinVar aggregate classification (germline): Likely benign. Review status: criteria provided, multiple submitters, no conflicts (2 of 4 stars). 2 submissions from 2 submitters: Likely benign (2). Last evaluated 2025-10-02.

Allele frequency attached by ClinVar (database versions not stated): ExAC 0.00003; gnomAD 0.00004.
gnomAD v4.1: 34 of 1,606,662 alleles (0.0021%); highest among the groups gnomAD compares: Middle Eastern, 0.033%; no homozygotes.

Submissions (2):

Labcorp Genetics (formerly Invitae), Labcorp
Classification: Likely benign. Last evaluated: 2025-10-02. Review status: criteria provided, single submitter. Criteria: Invitae Variant Classification Sherloc (09022015). Collection method: clinical testing. Allele origin: germline.

CeGaT Center for Human Genetics Tuebingen
Classification: Likely benign. Last evaluated: 2024-10-01. Review status: criteria provided, single submitter. Criteria: CeGaT Center For Human Genetics Tuebingen Variant Classification Criteria Version 2. Collection method: clinical testing. Allele origin: germline. Affected: yes. Observed: 1 variant allele.
Comment: BPTF: BP4, BP7